The following is an entry in ClinVar:

ClinVar aggregate classification (germline): Conflicting classifications of pathogenicity. Review status: criteria provided, conflicting classifications (1 of 4 stars). 2 submissions from 2 submitters: Likely pathogenic (1); Uncertain significance (1). Last evaluated 2025-01-26.

Conditions:
Bifunctional peroxisomal enzyme deficiency (DBIF). Also called: DBP DEFICIENCY; PBFE DEFICIENCY; D-bifunctional protein deficiency. Identifiers: Orphanet 300, MedGen C0342870, MONDO:0009855, OMIM 261515. Disease mechanism: loss of function.
Perrault syndrome 1 (PRLTS1). Also called: GONADAL DYSGENESIS, XX TYPE, WITH DEAFNESS; OVARIAN DYSGENESIS WITH SENSORINEURAL DEAFNESS. Identifiers: Orphanet 2855, Orphanet 642945, MedGen C4551721, MONDO:0009300, OMIM 233400.

Submissions (2):

Natera, Inc.
Classification: Likely pathogenic for Bifunctional peroxisomal enzyme deficiency. Last evaluated: 2025-01-26. Review status: criteria provided, single submitter. Criteria: Natera Variant Classification Schema (03/2026). Collection method: clinical testing. Allele origin: germline.
Comment: The c.233_235delAAG variant in HSD17B4 is an in-frame deletion predicted to remove glutamic acid at amino acid 78 while preserving the reading frame. This variant is rare in the general population with a frequency below the threshold expected for the associated phenotype(s). This variant has been observed in one or more individuals affected with the associated recessive disease, as either homozygous or compound heterozygous with a second variant (PMID: 30561787, 22858719, 16919904). Additionally, this variant has been observed to segregate in affected family members (PMID: 22858719). This variant results in a change to the protein length while preserving reading frame, which may disrupt normal protein structure or function. Computational prediction algorithms indicate this variant is likely to affect gene or protein function. Given the available evidence, this variant is classified as Likely Pathogenic.

Genomic Medicine Center of Excellence, King Faisal Specialist Hospital and Research Centre
Classification: Uncertain significance for Perrault syndrome 1. Last evaluated: 2024-09-22. Review status: criteria provided, single submitter. Criteria: ACMG Guidelines, 2015. Collection method: clinical testing. Allele origin: germline.

Literature cited by the submitters: PubMed 30561787 (cited by Natera, Inc.); PubMed 22858719 (cited by Natera, Inc.); PubMed 16919904 (cited by Natera, Inc.).

NM_000414.4(HSD17B4):c.230AAG[1] (p.Glu78del)

Gene: HSD17B4 (hydroxysteroid 17-beta dehydrogenase 4; plus strand). Cytogenetic location: 5q23.1.
Variant type: Microsatellite.
Coding change: c.230AAG[1] on transcript NM_000414.4 (MANE Select); one copy of the 3-base unit AAG starting at c.230; the reference has two copies in a row; one copy, 3 bases deleted; also written c.233_235del.
Protein change: p.Glu78del; deletes glutamic acid 78.
Molecular consequence: 5 prime UTR variant (on NM_001292028.2). On other transcripts: non-coding transcript variant (2).
Genome position (GRCh38, 1-based): chr5:119,474,413-119,474,415, AAG deleted; deleting any 3 consecutive bases within chr5:119,474,409-119,474,415 gives the same sequence; the position shown is the placement nearest the transcript's 3' end. VCF-style (leftmost placement, unchanged base first): chr5-119474408-GGAA-G. GRCh37 (hg19) VCF-style: chr5-118810103-GGAA-G.
Other names: c.233_235del (NM_000414.4); c.233_235delAAG (NM_000414.3); c.305AAG[1], p.Glu103del (NM_001199291.3); c.176AAG[1], p.Glu60del (NM_001199292.2); c.158AAG[1], p.Glu54del (NM_001292027.2); c.-182AAG[1] (NM_001292028.2, NM_001374501.1, NM_001374502.1 and 1 more transcripts); c.230AAG[1], p.Glu78del (NM_001374497.1, NM_001374498.1); c.-51AAG[1] (NM_001374499.1); and 1 more; short protein forms E103del, E54del, E60del, E78del.
Identifiers: ClinVar variation 3362607 (VCV003362607.2).